The following is an entry in ClinVar:

ClinVar aggregate classification (germline): Uncertain significance (1 of 4 stars; one submission).

Conditions:
Inborn genetic diseases. Identifiers: MedGen C0950123, MeSH D030342.

Allele frequency attached by ClinVar (database versions not stated): gnomAD exomes below 0.00001.
gnomAD v4.1: 1 of 1,609,380 alleles (0.000062%); highest among the groups gnomAD compares: Non-Finnish European, 0.000085%; no homozygotes.

Submission:

Ambry Genetics
Classification: Uncertain significance for Inborn genetic diseases. Last evaluated: 2021-01-07. Review status: criteria provided, single submitter. Criteria: Ambry Variant Classification Scheme 2023. Collection method: clinical testing. Allele origin: germline.
Comment: The p.A1115D variant (also known as c.3344C>A), located in coding exon 4 of the PRX gene, results from a C to A substitution at nucleotide position 3344. The alanine at codon 1115 is replaced by aspartic acid, an amino acid with dissimilar properties. This amino acid position is not well conserved in available vertebrate species. In addition, this alteration is predicted to be tolerated by in silico analysis. Since supporting evidence is limited at this time, the clinical significance of this alteration remains unclear.

NM_181882.3(PRX):c.3344C>A (p.Ala1115Asp)

Gene: PRX (periaxin; minus strand). Cytogenetic location: 19q13.2.
Variant type: single nucleotide variant.
Coding change: c.3344C>A on transcript NM_181882.3 (MANE Select); coding-DNA position 3344, C replaced by A.
Protein change: p.Ala1115Asp; replaces alanine 1115 with aspartic acid.
Molecular consequence: missense variant. On other transcripts: 3 prime UTR variant (1).
Genome position (GRCh38, 1-based): chr19:40,395,008, G>T on the plus strand (C>A on the coding strand, the complement: PRX is on the minus strand). VCF-style: chr19-40395008-G-T. GRCh37 (hg19) VCF-style: chr19-40900915-G-T.
Other names: c.3629C>A, p.Ala1210Asp (NM_001411127.1); c.*3549C>A (NM_020956.2); short protein forms A1115D, A1210D.
Identifiers: ClinVar variation 1730442 (VCV001730442.2), dbSNP rs2514800304, ClinGen allele CA405894176.
Genomic context (GRCh38, chr19:40,395,008, plus strand): 5'-ACCACCTGCCCGGCTGTGGACACCTTCAGGCCTGACAGCTGCATTCCACTGACGGCCACA[G>T]CCCCCTCTGCCCTCCCTTCCTCCTGGGCGCCCAGCGTGACCAGCTCCACCTCGGGGATCT-3'
Protein context (NP_870998.2, residues 1105-1125): GAQEEGRAEG[Ala1115Asp]VAVSGMQLSG